The following is an entry in ClinVar:

ClinVar aggregate classification (germline): Pathogenic (1 of 4 stars; one submission).

Conditions:
Ellis-van Creveld syndrome (EVC). Also called: MESOECTODERMAL DYSPLASIA; Chondroectodermal dysplasia; EVC-Related Ellis-van Creveld Syndrome; EVC2-Related Ellis-van Creveld Syndrome. Identifiers: Orphanet 289, MedGen C0013903, MONDO:0009162, OMIM 225500.
Curry-Hall syndrome (WAD). Also called: WEYERS ACRODENTAL DYSOSTOSIS. Identifiers: Orphanet 952, MedGen C0457013, MONDO:0008673, OMIM 193530.

Submission:

Labcorp Genetics (formerly Invitae), Labcorp
Classification: Pathogenic for Curry-Hall syndrome; Ellis-van Creveld syndrome. Last evaluated: 2023-09-10. Review status: criteria provided, single submitter. Criteria: Invitae Variant Classification Sherloc (09022015). Collection method: clinical testing. Allele origin: unknown.
Comment: For these reasons, this variant has been classified as Pathogenic. A similar copy number variant has been observed in individual(s) with Ellis-van Creveld syndrome (PMID: 19810119). This variant is a gross deletion of the genomic region encompassing exon(s) 13-16 of the EVC2 gene. This deletion is out-of-frame, and is expected to create a premature termination codon and result in an absent or disrupted protein product. Loss-of-function variants in EVC2 are known to be pathogenic (PMID: 17024374, 19810119, 19876929).

Literature cited by the submitters: PubMed 19810119; PubMed 17024374; PubMed 19876929.

NC_000004.11:g.(?_5617129)_(5627655_?)del

Gene: EVC2 (EvC ciliary complex subunit 2; minus strand). Cytogenetic location: 4p16.2.
Variant type: Deletion.
Identifiers: ClinVar variation 3246626 (VCV003246626.1).